The following is an entry in ClinVar:

ClinVar aggregate classification (germline): Uncertain significance (1 of 4 stars; one submission).

Allele frequency attached by ClinVar (database versions not stated): TOPMed below 0.00001; gnomAD 0.00001.
gnomAD v4.1: 1 of 1,599,340 alleles (0.000063%); highest among the groups gnomAD compares: Non-Finnish European, 0.000085%; no homozygotes.

Submission:

Labcorp Genetics (formerly Invitae), Labcorp
Classification: Uncertain significance. Last evaluated: 2024-11-07. Review status: criteria provided, single submitter. Criteria: Invitae Variant Classification Sherloc (09022015). Collection method: clinical testing. Allele origin: germline.
Comment: This sequence change replaces lysine, which is basic and polar, with arginine, which is basic and polar, at codon 986 of the DNA2 protein (p.Lys986Arg). This variant is not present in population databases (gnomAD no frequency). This variant has not been reported in the literature in individuals affected with DNA2-related conditions. ClinVar contains an entry for this variant (Variation ID: 2106109). Invitae Evidence Modeling of protein sequence and biophysical properties (such as structural, functional, and spatial information, amino acid conservation, physicochemical variation, residue mobility, and thermodynamic stability) indicates that this missense variant is not expected to disrupt DNA2 protein function with a negative predictive value of 80%. Algorithms developed to predict the effect of sequence changes on RNA splicing suggest that this variant may disrupt the consensus splice site. In summary, the available evidence is currently insufficient to determine the role of this variant in disease. Therefore, it has been classified as a Variant of Uncertain Significance.

NM_001080449.3(DNA2):c.2957A>G (p.Lys986Arg)

Gene: DNA2 (DNA replication helicase/nuclease 2; minus strand). Cytogenetic location: 10q21.3.
Variant type: single nucleotide variant.
Coding change: c.2957A>G on transcript NM_001080449.3 (MANE Select); coding-DNA position 2957, A replaced by G.
Protein change: p.Lys986Arg; replaces lysine 986 with arginine.
Molecular consequence: missense variant. On other transcripts: non-coding transcript variant (1).
Genome position (GRCh38, 1-based): chr10:68,419,044, T>C on the plus strand (A>G on the coding strand, the complement: DNA2 is on the minus strand). VCF-style: chr10-68419044-T-C. GRCh37 (hg19) VCF-style: chr10-70178801-T-C.
Other names: short protein forms K986R.
Identifiers: ClinVar variation 2106109 (VCV002106109.4), dbSNP rs1404209985, ClinGen allele CA376840894.